The following is an entry in ClinVar:

NM_007186.6(CEP250):c.6872G>A (p.Arg2291His)

Gene: CEP250 (centrosomal protein 250; plus strand). Cytogenetic location: 20q11.22.
Variant type: single nucleotide variant.
Coding change: c.6872G>A on transcript NM_007186.6 (MANE Select); coding-DNA position 6872, G replaced by A.
Protein change: p.Arg2291His; replaces arginine 2291 with histidine.
Molecular consequence: missense variant.
Genome position (GRCh38, 1-based): chr20:35,508,156, G>A. VCF-style: chr20-35508156-G-A. GRCh37 (hg19) VCF-style: chr20-34095985-G-A.
Other names: c.4976G>A, p.Arg1659His (NM_001318219.1); c.6872G>A (NM_007186.3); short protein forms R1659H, R2291H.
Identifiers: ClinVar variation 939494 (VCV000939494.8), dbSNP rs143561620, ClinGen allele CA9834172.

ClinVar aggregate classification (germline): Conflicting classifications of pathogenicity. Review status: criteria provided, conflicting classifications (1 of 4 stars). 2 submissions from 2 submitters: Uncertain significance (1); Likely benign (1). Last evaluated 2024-01-02.

Allele frequency attached by ClinVar (database versions not stated): gnomAD exomes 0.00001 and 0.00002; ExAC 0.00006; gnomAD 0.00008 and 0.00009; TOPMed 0.00010; ESP Exome Variant Server 0.00031.
gnomAD v4.1: 23 of 1,613,924 alleles (0.0014%); highest among the groups gnomAD compares: Middle Eastern, 0.016%; no homozygotes.

Submissions (2):

Ambry Genetics
Classification: Likely benign. Last evaluated: 2024-01-02. Review status: criteria provided, single submitter. Criteria: Ambry Variant Classification Scheme 2023. Collection method: clinical testing. Allele origin: germline.

Labcorp Genetics (formerly Invitae), Labcorp
Classification: Uncertain significance. Last evaluated: 2022-10-13. Review status: criteria provided, single submitter. Criteria: Invitae Variant Classification Sherloc (09022015). Collection method: clinical testing. Allele origin: germline.
Comment: This sequence change replaces arginine, which is basic and polar, with histidine, which is basic and polar, at codon 2291 of the CEP250 protein (p.Arg2291His). This variant is present in population databases (rs143561620, gnomAD 0.02%). This variant has not been reported in the literature in individuals affected with CEP250-related conditions. ClinVar contains an entry for this variant (Variation ID: 939494). Algorithms developed to predict the effect of missense changes on protein structure and function output the following: SIFT: "Not Available"; PolyPhen-2: "Benign"; Align-GVGD: "Not Available". The histidine amino acid residue is found in multiple mammalian species, which suggests that this missense change does not adversely affect protein function. In summary, the available evidence is currently insufficient to determine the role of this variant in disease. Therefore, it has been classified as a Variant of Uncertain Significance.